The following is an entry in ClinVar:

ClinVar aggregate classification (germline): Likely benign (0 of 4 stars; one submission).

Conditions:
SATL1-related disorder. Also called: SATL1-related condition.

Allele frequency attached by ClinVar (database versions not stated): 1000 Genomes Project 30x 0.00042.
gnomAD v4.1: 918 of 1,203,679 alleles (0.076%); highest among the groups gnomAD compares: Non-Finnish European, 0.099%; no homozygotes.

Submission:

PreventionGenetics, part of Exact Sciences
Classification: Likely benign for SATL1-related condition. Last evaluated: 2019-05-21. Review status: no assertion criteria provided. Collection method: clinical testing. Allele origin: germline.
Comment: This variant is classified as likely benign based on ACMG/AMP sequence variant interpretation guidelines (Richards et al. 2015 PMID: 25741868, with internal and published modifications).

NM_001367857.2(SATL1):c.387G>C (p.Thr129=)

Gene: SATL1 (spermidine/spermine N1-acetyl transferase like 1; minus strand). Cytogenetic location: Xq21.1.
Variant type: single nucleotide variant.
Coding change: c.387G>C on transcript NM_001367857.2 (MANE Select); coding-DNA position 387, G replaced by C.
Protein change: p.Thr129=; no amino-acid change (threonine 129 retained).
Molecular consequence: synonymous variant.
Genome position (GRCh38, 1-based): chrX:85,108,582, C>G on the plus strand (G>C on the coding strand, the complement: SATL1 is on the minus strand). VCF-style: chrX-85108582-C-G. GRCh37 (hg19) VCF-style: chrX-84363588-C-G.
Other names: c.387G>C, p.Thr129= (NM_001012980.2, NM_001367858.2).
Identifiers: ClinVar variation 3038581 (VCV003038581.2), dbSNP rs759085797, ClinGen allele CA10464501.
Genomic context (GRCh38, chrX:85,108,582, plus strand): 5'-GCTCCCACCTGACTGGCTGTCTAGTTGCTGCATCACTGGTTGGCTCATACCTGATTGGTT[C>G]GTGCCTATTTGCCTCATGCGTGATTGGCTGGGGCCTGATTGGCTTGGGCCTGGTTGCGAT-3'
Protein context (NP_001354786.1, residues 119-139): PSQSRMRQIG[Thr129=]NQSGMSQPVM